The following is an entry in ClinVar:

NM_000059.4(BRCA2):c.2650T>C (p.Ser884Pro)

Gene: BRCA2 (BRCA2 DNA repair associated; plus strand). Cytogenetic location: 13q13.1.
Variant type: single nucleotide variant.
Coding change: c.2650T>C on transcript NM_000059.4 (MANE Select); coding-DNA position 2650, T replaced by C.
Protein change: p.Ser884Pro; replaces serine 884 with proline.
Molecular consequence: missense variant.
Genome position (GRCh38, 1-based): chr13:32,337,005, T>C. VCF-style: chr13-32337005-T-C. GRCh37 (hg19) VCF-style: chr13-32911142-T-C.
Other names: c.2650T>C, p.Ser884Pro (NM_001406719.1, NM_001406720.1); short protein forms S884P.
Identifiers: ClinVar variation 2087457 (VCV002087457.6), dbSNP rs1555282771, ClinGen allele CA387773298.

ClinVar aggregate classification (germline): Conflicting classifications of pathogenicity. Review status: criteria provided, conflicting classifications (1 of 4 stars). 2 submissions from 2 submitters: Uncertain significance (1); Likely benign (1). Last evaluated 2023-03-23.

Conditions:
Hereditary cancer-predisposing syndrome. Also called: Tumor predisposition; Hereditary Cancer Syndrome; Hereditary neoplastic syndrome; Neoplastic Syndromes, Hereditary. Identifiers: Orphanet 140162, MedGen C0027672, MeSH D009386, MONDO:0015356.
Hereditary breast ovarian cancer syndrome. Also called: Hereditary breast and ovarian cancer syndrome; Breast and ovarian cancer; BRCA1- and BRCA2-Associated Hereditary Breast and Ovarian Cancer; Hereditary breast and ovarian cancer syndrome (HBOC); Hereditary breast and ovarian cancer; Hereditary breast and/or ovarian cancer syndrome. Identifiers: Orphanet 145, MedGen C0677776, MeSH D061325, MONDO:0003582. Disease mechanism: loss of function.

Submissions (2):

University of Washington Department of Laboratory Medicine, University of Washington
Classification: Likely benign for Hereditary cancer-predisposing syndrome. Last evaluated: 2023-03-23. Review status: criteria provided, single submitter. Criteria: Dines et al. (Genet Med. 2020). Collection method: curation. Allele origin: germline.
Comment: Missense variant in a coldspot region where missense variants are very unlikely to be pathogenic (PMID:31911673).

BRCA2 exon 11 coldspot. Reclassification based on statistical prior probability.

Labcorp Genetics (formerly Invitae), Labcorp
Classification: Uncertain significance for Hereditary breast ovarian cancer syndrome. Last evaluated: 2022-01-18. Review status: criteria provided, single submitter. Criteria: Invitae Variant Classification Sherloc (09022015). Collection method: clinical testing. Allele origin: germline.
Comment: In summary, the available evidence is currently insufficient to determine the role of this variant in disease. Therefore, it has been classified as a Variant of Uncertain Significance. Advanced modeling of protein sequence and biophysical properties (such as structural, functional, and spatial information, amino acid conservation, physicochemical variation, residue mobility, and thermodynamic stability) performed at Invitae indicates that this missense variant is not expected to disrupt BRCA2 protein function. This variant has not been reported in the literature in individuals affected with BRCA2-related conditions. This variant is not present in population databases (gnomAD no frequency). This sequence change replaces serine, which is neutral and polar, with proline, which is neutral and non-polar, at codon 884 of the BRCA2 protein (p.Ser884Pro).